The following is an entry in ClinVar:

NM_000350.3(ABCA4):c.1097C>T (p.Thr366Ile)

Gene: ABCA4 (ATP binding cassette subfamily A member 4; minus strand). Cytogenetic location: 1p22.1.
Variant type: single nucleotide variant.
Coding change: c.1097C>T on transcript NM_000350.3 (MANE Select); coding-DNA position 1097, C replaced by T.
Protein change: p.Thr366Ile; replaces threonine 366 with isoleucine.
Molecular consequence: missense variant.
Genome position (GRCh38, 1-based): chr1:94,080,480, G>A on the plus strand (C>T on the coding strand, the complement: ABCA4 is on the minus strand). VCF-style: chr1-94080480-G-A. GRCh37 (hg19) VCF-style: chr1-94546036-G-A.
Other names: c.1097C>T, p.Thr366Ile (NM_001425324.1); short protein forms T366I.
Identifiers: ClinVar variation 1196901 (VCV001196901.10), dbSNP rs749494322, ClinGen allele CA958649.

ClinVar aggregate classification (germline): Uncertain significance. Review status: criteria provided, multiple submitters, no conflicts (2 of 4 stars). 5 submissions from 5 submitters: Uncertain significance (5). Last evaluated 2026-09-02.

Conditions:
Inborn genetic diseases. Identifiers: MedGen C0950123, MeSH D030342.
ABCA4-related disorder. Also called: ABCA4-related condition; ABCA4-related disorders. Identifiers: MedGen CN239167.

Allele frequency attached by ClinVar (database versions not stated): gnomAD 0.00001; gnomAD exomes 0.00007 and 0.00002; ExAC 0.00002; TOPMed 0.00001.
gnomAD v4.1: 105 of 1,614,028 alleles (0.0065%); highest among the groups gnomAD compares: Non-Finnish European, 0.0084%; no homozygotes.

Submissions (5):

Ambry Genetics
Classification: Uncertain significance for Inborn genetic diseases. Last evaluated: 2026-09-02. Review status: criteria provided, single submitter. Criteria: Ambry Variant Classification Scheme 2023. Collection method: clinical testing. Allele origin: germline.

Labcorp Genetics (formerly Invitae), Labcorp
Classification: Uncertain significance. Last evaluated: 2025-08-04. Review status: criteria provided, single submitter. Criteria: Invitae Variant Classification Sherloc (09022015). Collection method: clinical testing. Allele origin: germline.
Comment: This sequence change replaces threonine, which is neutral and polar, with isoleucine, which is neutral and non-polar, at codon 366 of the ABCA4 protein (p.Thr366Ile). This variant is present in population databases (rs749494322, gnomAD 0.01%). This variant has not been reported in the literature in individuals affected with ABCA4-related conditions. ClinVar contains an entry for this variant (Variation ID: 1196901). An algorithm developed to predict the effect of missense changes on protein structure and function (PolyPhen-2) suggests that this variant is likely to be disruptive. In summary, the available evidence is currently insufficient to determine the role of this variant in disease. Therefore, it has been classified as a Variant of Uncertain Significance.

GeneDx
Classification: Uncertain significance. Last evaluated: 2025-06-20. Review status: criteria provided, single submitter. Criteria: GeneDx Variant Classification Process June 2021. Collection method: clinical testing. Allele origin: germline. Affected: yes.
Comment: In silico analysis, which includes protein predictors and evolutionary conservation, supports a deleterious effect; Has not been previously published as pathogenic or benign to our knowledge

PreventionGenetics, part of Exact Sciences
Classification: Uncertain significance for ABCA4-related condition. Last evaluated: 2025-03-12. Review status: criteria provided, single submitter. Criteria: ACMG Guidelines, 2015. Collection method: clinical testing. Allele origin: germline.
Comment: The ABCA4 c.1097C>T variant is predicted to result in the amino acid substitution p.Thr366Ile. To our knowledge, this variant has not been reported in the literature. This variant is reported in 0.014% of alleles in individuals of European (Finnish) descent in gnomAD. At this time, the clinical significance of this variant is uncertain due to the absence of conclusive functional and genetic evidence.

Blueprint Genetics
Classification: Uncertain significance. Last evaluated: 2024-05-28. Review status: criteria provided, single submitter. Criteria: ACMG Guidelines, 2015. Collection method: clinical testing. Allele origin: germline.